The following is an entry in ClinVar:

ClinVar aggregate classification (germline): Uncertain significance (1 of 4 stars; one submission).

Submission:

Labcorp Genetics (formerly Invitae), Labcorp
Classification: Uncertain significance. Last evaluated: 2022-04-09. Review status: criteria provided, single submitter. Criteria: Invitae Variant Classification Sherloc (09022015). Collection method: clinical testing. Allele origin: germline.
Comment: This sequence change replaces methionine, which is neutral and non-polar, with isoleucine, which is neutral and non-polar, at codon 676 of the PLAA protein (p.Met676Ile). This variant is not present in population databases (gnomAD no frequency). This variant has not been reported in the literature in individuals affected with PLAA-related conditions. Algorithms developed to predict the effect of missense changes on protein structure and function (SIFT, PolyPhen-2, Align-GVGD) all suggest that this variant is likely to be tolerated. In summary, the available evidence is currently insufficient to determine the role of this variant in disease. Therefore, it has been classified as a Variant of Uncertain Significance.

NM_001031689.3(PLAA):c.2028G>T (p.Met676Ile)

Gene: PLAA (phospholipase A2 activating protein; minus strand). Cytogenetic location: 9p21.2.
Variant type: single nucleotide variant.
Coding change: c.2028G>T on transcript NM_001031689.3 (MANE Select); coding-DNA position 2028, G replaced by T.
Protein change: p.Met676Ile; replaces methionine 676 with isoleucine.
Molecular consequence: missense variant.
Genome position (GRCh38, 1-based): chr9:26,905,871, C>A on the plus strand (G>T on the coding strand, the complement: PLAA is on the minus strand). VCF-style: chr9-26905871-C-A. GRCh37 (hg19) VCF-style: chr9-26905869-C-A.
Other names: c.1959G>T, p.Met653Ile (NM_001321546.2); short protein forms M653I, M676I.
Identifiers: ClinVar variation 2123643 (VCV002123643.4), dbSNP rs2489156970, ClinGen allele CA373126778.